The following is an entry in ClinVar:

ClinVar aggregate classification (germline): Uncertain significance (1 of 4 stars; one submission).

Allele frequency attached by ClinVar (database versions not stated): gnomAD exomes below 0.00001.
gnomAD v4.1: 4 of 1,614,178 alleles (0.00025%); highest among the groups gnomAD compares: Non-Finnish European, 0.00034%; no homozygotes.

Submission:

Labcorp Genetics (formerly Invitae), Labcorp
Classification: Uncertain significance. Last evaluated: 2022-05-06. Review status: criteria provided, single submitter. Criteria: Invitae Variant Classification Sherloc (09022015). Collection method: clinical testing. Allele origin: germline.
Comment: This variant has not been reported in the literature in individuals affected with ADAMTS18-related conditions. In summary, the available evidence is currently insufficient to determine the role of this variant in disease. Therefore, it has been classified as a Variant of Uncertain Significance. Algorithms developed to predict the effect of missense changes on protein structure and function are either unavailable or do not agree on the potential impact of this missense change (SIFT: "Not Available"; PolyPhen-2: "Benign"; Align-GVGD: "Not Available"). This variant is present in population databases (no rsID available, gnomAD 0.0009%). This sequence change replaces alanine, which is neutral and non-polar, with threonine, which is neutral and polar, at codon 93 of the ADAMTS18 protein (p.Ala93Thr).

NM_199355.4(ADAMTS18):c.277G>A (p.Ala93Thr)

Gene: ADAMTS18 (ADAM metallopeptidase with thrombospondin type 1 motif 18; minus strand). Cytogenetic location: 16q23.1.
Variant type: single nucleotide variant.
Coding change: c.277G>A on transcript NM_199355.4 (MANE Select); coding-DNA position 277, G replaced by A.
Protein change: p.Ala93Thr; replaces alanine 93 with threonine.
Molecular consequence: missense variant. On other transcripts: 5 prime UTR variant (1).
Genome position (GRCh38, 1-based): chr16:77,431,513, C>T on the plus strand (G>A on the coding strand, the complement: ADAMTS18 is on the minus strand). VCF-style: chr16-77431513-C-T. GRCh37 (hg19) VCF-style: chr16-77465410-C-T.
Other names: c.-244G>A (NM_001326358.2); short protein forms A93T.
Identifiers: ClinVar variation 1957924 (VCV001957924.5), dbSNP rs1286550687, ClinGen allele CA396851437.